The following is an entry in ClinVar:

NM_015158.5(KANK1):c.1600G>A (p.Val534Met)

Gene: KANK1 (KN motif and ankyrin repeat domains 1; plus strand). Cytogenetic location: 9p24.3.
Variant type: single nucleotide variant.
Coding change: c.1600G>A on transcript NM_015158.5 (MANE Select); coding-DNA position 1600, G replaced by A.
Protein change: p.Val534Met; replaces valine 534 with methionine.
Molecular consequence: missense variant. On other transcripts: non-coding transcript variant (1).
Genome position (GRCh38, 1-based): chr9:712,366, G>A. VCF-style: chr9-712366-G-A. GRCh37 (hg19) VCF-style: chr9-712366-G-A.
Other names: c.1600G>A, p.Val534Met (NM_001256876.3, NM_001256877.3, NM_001354331.2 and 2 more transcripts); c.1126G>A, p.Val376Met (NM_001354333.2, NM_001354335.2, NM_001354336.2 and 9 more transcripts); short protein forms V376M, V534M.
Identifiers: ClinVar variation 714384 (VCV000714384.12), dbSNP rs112166059, ClinGen allele CA4960256.
Genomic context (GRCh38, chr9:712,366, plus strand): 5'-AAGGTGGTGGAGGCAGTGGTGCAGACCAGAGACCAAATGGTCGGCAGTCACATGGACCTG[G>A]TGGACACGTGTGTTGGGACCTCCGTGGAAACAAACAGTGTAGGCATCTCCTGCCAGCCTG-3'
Protein context (NP_055973.2, residues 524-544): DQMVGSHMDL[Val534Met]DTCVGTSVET

ClinVar aggregate classification (germline): Likely benign. Review status: criteria provided, multiple submitters, no conflicts (2 of 4 stars). 4 submissions from 4 submitters: Likely benign (3). 1 of the submissions does not count toward it. Last evaluated 2025-06-23.

Conditions:
KANK1-related disorder. Also called: KANK1-related condition.
Cerebral palsy, spastic quadriplegic, 2 (CPSQ2). Identifiers: Orphanet 210141, MedGen C2752061, MONDO:0013033, OMIM 612900.

Allele frequency attached by ClinVar (database versions not stated): ESP Exome Variant Server 0.00077; 1000 Genomes Project 30x 0.00031; ExAC 0.00034; gnomAD exomes 0.00025; 1000 Genomes Project 0.00040; TOPMed 0.00117.
gnomAD v4.1: 271 of 1,614,208 alleles (0.017%); highest among the groups gnomAD compares: African/African-American, 0.31%; no homozygotes.

Submissions (4):

Labcorp Genetics (formerly Invitae), Labcorp
Classification: Likely benign. Last evaluated: 2025-06-23. Review status: criteria provided, single submitter. Criteria: Invitae Variant Classification Sherloc (09022015). Collection method: clinical testing. Allele origin: germline.

Fulgent Genetics
Classification: Likely benign for Cerebral palsy, spastic quadriplegic, 2. Last evaluated: 2021-07-02. Review status: criteria provided, single submitter. Criteria: ACMG Guidelines, 2015. Collection method: clinical testing. Allele origin: unknown.

Breakthrough Genomics
Classification: Likely benign. Review status: criteria provided, single submitter. Criteria: ACMG Guidelines, 2015. Collection method: not provided. Allele origin: germline. Inheritance: Unknown mechanism. Affected: yes.

PreventionGenetics, part of Exact Sciences
Classification: Likely benign for KANK1-related condition. Last evaluated: 2022-05-06. Review status: no assertion criteria provided. Collection method: clinical testing. Allele origin: germline. Not counted in ClinVar's aggregate classification.
Comment: This variant is classified as likely benign based on ACMG/AMP sequence variant interpretation guidelines (Richards et al. 2015 PMID: 25741868, with internal and published modifications).